The following is an entry in ClinVar:

NM_000062.3(SERPING1):c.1474A>G (p.Met492Val)

Gene: SERPING1 (serpin family G member 1; plus strand). Cytogenetic location: 11q12.1.
Variant type: single nucleotide variant.
Coding change: c.1474A>G on transcript NM_000062.3 (MANE Select); coding-DNA position 1474, A replaced by G.
Protein change: p.Met492Val; replaces methionine 492 with valine.
Molecular consequence: missense variant.
Genome position (GRCh38, 1-based): chr11:57,614,552, A>G. VCF-style: chr11-57614552-A-G. GRCh37 (hg19) VCF-style: chr11-57382025-A-G.
Other names: c.1474A>G, p.Met492Val (NM_001032295.2); short protein forms M492V.
Identifiers: ClinVar variation 2152109 (VCV002152109.4), dbSNP rs754081837, ClinGen allele CA6008295.

ClinVar aggregate classification (germline): Uncertain significance (1 of 4 stars; one submission).

Allele frequency attached by ClinVar (database versions not stated): gnomAD 0.00001; TOPMed 0.00001; ExAC 0.00003.
gnomAD v4.1: 7 of 1,613,896 alleles (0.00043%); highest among the groups gnomAD compares: Admixed American, 0.012%; no homozygotes.

Submission:

Labcorp Genetics (formerly Invitae), Labcorp
Classification: Uncertain significance. Last evaluated: 2024-07-12. Review status: criteria provided, single submitter. Criteria: Invitae Variant Classification Sherloc (09022015). Collection method: clinical testing. Allele origin: germline.
Comment: This sequence change replaces methionine, which is neutral and non-polar, with valine, which is neutral and non-polar, at codon 492 of the SERPING1 protein (p.Met492Val). This variant is present in population databases (rs754081837, gnomAD 0.02%). This missense change has been observed in individual(s) with suspected primary immunodeficiency (PMID: 30290665). ClinVar contains an entry for this variant (Variation ID: 2152109). Advanced modeling of protein sequence and biophysical properties (such as structural, functional, and spatial information, amino acid conservation, physicochemical variation, residue mobility, and thermodynamic stability) has been performed at Invitae for this missense variant, however the output from this modeling did not meet the statistical confidence thresholds required to predict the impact of this variant on SERPING1 protein function. In summary, the available evidence is currently insufficient to determine the role of this variant in disease. Therefore, it has been classified as a Variant of Uncertain Significance.

Literature cited by the submitters: PubMed 30290665.